The following is an entry in ClinVar:

ClinVar aggregate classification (germline): Uncertain significance (1 of 4 stars; one submission).

Conditions:
Intellectual disability-severe speech delay-mild dysmorphism syndrome (IDDLA). Also called: Mental retardation with language impairment and autistic features; FOXP1 Syndrome; Intellectual developmental disorder with language impairment AND with or without autistic features. Identifiers: Orphanet 391372, MedGen C4013764, MONDO:0013352, OMIM 613670.

Allele frequency attached by ClinVar (database versions not stated): gnomAD exomes below 0.00001; gnomAD 0.00001; TOPMed 0.00002.
gnomAD v4.1: 8 of 1,614,046 alleles (0.0005%); highest among the groups gnomAD compares: African/African-American, 0.0013%; no homozygotes.

Submission:

Victorian Clinical Genetics Services, Murdoch Childrens Research Institute
Classification: Uncertain significance for Intellectual disability-severe speech delay-mild dysmorphism syndrome. Last evaluated: 2019-08-28. Review status: criteria provided, single submitter. Criteria: ACMG Guidelines, 2015. Collection method: clinical testing. Allele origin: germline. Inheritance: Autosomal dominant inheritance. Affected: yes.
Comment: A heterozygous missense variant was identified, NM_032682.5(FOXP1):c.1223C>T in exon 15 of 21 of the FOXP1 gene. This substitution is predicted to create a moderate amino acid change from threonine to methionine at position 408 of the protein, NP_116071.2(FOXP1):p.(Thr408Met). The threonine at this position has very high conservation (100 vertebrates, UCSC), but is not situated in a known functional domain. In silico software predicts this variant to be pathogenic (PolyPhen, SIFT, CADD, MutationTaster). The variant is not present in the gnomAD population database, however, an alternative change to serine at the same residue has been reported in the gnomAD database at a frequency of 0.013%. The variant has not previously been reported in clinical cases. Based on information available at the time of curation, this variant has been classified as a VARIANT of UNCERTAIN SIGNIFICANCE (VUS).

NM_001349338.3(FOXP1):c.1223C>T (p.Thr408Met)

Gene: FOXP1 (forkhead box P1; minus strand). Cytogenetic location: 3p13.
Variant type: single nucleotide variant.
Coding change: c.1223C>T on transcript NM_001349338.3 (MANE Select); coding-DNA position 1223, C replaced by T.
Protein change: p.Thr408Met; replaces threonine 408 with methionine.
Molecular consequence: missense variant. On other transcripts: non-coding transcript variant (2).
Genome position (GRCh38, 1-based): chr3:70,977,953, G>A on the plus strand (C>T on the coding strand, the complement: FOXP1 is on the minus strand). VCF-style: chr3-70977953-G-A. GRCh37 (hg19) VCF-style: chr3-71027104-G-A.
Other names: c.1223C>T, p.Thr408Met (NM_001244808.3, NM_001244810.2, NM_001244814.3 and 4 more transcripts); c.995C>T, p.Thr332Met (NM_001244812.3); c.923C>T, p.Thr308Met (NM_001244813.3, NM_001244815.2, NM_001349342.3 and 1 more transcripts); c.920C>T, p.Thr307Met (NM_001349337.2, NM_001349343.3, NM_001349344.3); c.1220C>T, p.Thr407Met (NM_001349341.3); short protein forms T307M, T308M, T332M, T407M, T408M.
Identifiers: ClinVar variation 1806116 (VCV001806116.1), dbSNP rs1454411756, ClinGen allele CA353494016.
Genomic context (GRCh38, chr3:70,977,953, plus strand): 5'-CTGGTGGTTGTGATGACAGAGGGGCCTTGGGTGACGGGAGTCAGGGGGGCGGTTGGGGTC[G>A]TTGGAGTATGAGGTAAGCTCTGTGGAGAAGCCTCCGATGCGGACTTGGAGAGAGTGACAC-3'
Protein context (NP_001336267.1, residues 398-418): ASPQSLPHTP[Thr408Met]TPTAPLTPVT